The following is an entry in ClinVar:

ClinVar aggregate classification (germline): Uncertain significance. Review status: criteria provided, multiple submitters, no conflicts (2 of 4 stars). 2 submissions from 2 submitters: Uncertain significance (2). Last evaluated 2023-11-27.

Conditions:
Hereditary nonpolyposis colorectal neoplasms. Identifiers: MedGen C0009405, MeSH D003123.
Hereditary cancer-predisposing syndrome. Also called: Neoplastic Syndromes, Hereditary; Tumor predisposition; Hereditary Cancer Syndrome; Hereditary neoplastic syndrome. Identifiers: Orphanet 140162, MedGen C0027672, MeSH D009386, MONDO:0015356.

Submissions (2):

Labcorp Genetics (formerly Invitae), Labcorp
Classification: Uncertain significance for Hereditary nonpolyposis colorectal neoplasms. Last evaluated: 2023-11-27. Review status: criteria provided, single submitter. Criteria: Invitae Variant Classification Sherloc (09022015). Collection method: clinical testing. Allele origin: germline.
Comment: This sequence change replaces glycine, which is neutral and non-polar, with arginine, which is basic and polar, at codon 132 of the PMS2 protein (p.Gly132Arg). This variant is not present in population databases (gnomAD no frequency). This variant has not been reported in the literature in individuals affected with PMS2-related conditions. ClinVar contains an entry for this variant (Variation ID: 1736419). Advanced modeling of protein sequence and biophysical properties (such as structural, functional, and spatial information, amino acid conservation, physicochemical variation, residue mobility, and thermodynamic stability) performed at Invitae indicates that this missense variant is expected to disrupt PMS2 protein function with a positive predictive value of 80%. In summary, the available evidence is currently insufficient to determine the role of this variant in disease. Therefore, it has been classified as a Variant of Uncertain Significance.

Ambry Genetics
Classification: Uncertain significance for Hereditary cancer-predisposing syndrome. Last evaluated: 2023-11-05. Review status: criteria provided, single submitter. Criteria: Ambry Variant Classification Scheme 2023. Collection method: clinical testing. Allele origin: germline.
Comment: The p.G132R variant (also known as c.394G>A), located in coding exon 5 of the PMS2 gene, results from a G to A substitution at nucleotide position 394. The glycine at codon 132 is replaced by arginine, an amino acid with dissimilar properties. This amino acid position is highly conserved in available vertebrate species. In addition, this alteration is predicted to be deleterious by in silico analysis. Since supporting evidence is limited at this time, the clinical significance of this alteration remains unclear.

NM_000535.7(PMS2):c.394G>A (p.Gly132Arg)

Gene: PMS2 (PMS1 homolog 2, mismatch repair system component; minus strand). Cytogenetic location: 7p22.1.
Variant type: single nucleotide variant.
Coding change: c.394G>A on transcript NM_000535.7 (MANE Select); coding-DNA position 394, G replaced by A.
Protein change: p.Gly132Arg; replaces glycine 132 with arginine.
Molecular consequence: missense variant. On other transcripts: 5 prime UTR variant (8), non-coding transcript variant (1).
Genome position (GRCh38, 1-based): chr7:6,002,596, C>T on the plus strand (G>A on the coding strand, the complement: PMS2 is on the minus strand). VCF-style: chr7-6002596-C-T. GRCh37 (hg19) VCF-style: chr7-6042227-C-T.
Other names: c.394G>A, p.Gly132Arg (NM_001406872.1, NM_001322014.2, NM_001406869.1 and 8 more transcripts); c.76G>A, p.Gly26Arg (NM_001322007.2, NM_001322008.2, NM_001406876.1 and 4 more transcripts); c.-12G>A (NM_001322009.2, NM_001322010.2, NM_001322013.2 and 25 more transcripts); c.-491G>A (NM_001322011.2, NM_001322012.2); c.85G>A, p.Gly29Arg (NM_001322015.2, NM_001406875.1, NM_001406877.1 and 6 more transcripts); c.580G>A, p.Gly194Arg (NM_001406866.1); c.418G>A, p.Gly140Arg (NM_001406868.1); short protein forms G26R, G132R, G194R, G29R, G140R.
Identifiers: ClinVar variation 1736419 (VCV001736419.5), dbSNP rs2536451878, ClinGen allele CA366744437.
Genomic context (GRCh38, chr7:6,002,596, plus strand): 5'-GGCGGGGGTAGGGGGTTTTCTGGATAATTTTCCCATTGTGATCAAACATCAGTCGAGTTC[C>T]AACCTTCGCCGATGCGTGGCAGGTAGAAATGGTGACATCGCTGTGAGAGAATACCAGGCA-3'
Protein context (NP_000526.2, residues 122-142): ISTCHASAKV[Gly132Arg]TRLMFDHNGK